The following is an entry in ClinVar:

NM_031407.7(HUWE1):c.2547C>G (p.Asp849Glu)

Gene: HUWE1 (HECT, UBA and WWE domain containing E3 ubiquitin protein ligase 1; minus strand). Cytogenetic location: Xp11.22.
Variant type: single nucleotide variant.
Coding change: c.2547C>G on transcript NM_031407.7 (MANE Select); coding-DNA position 2547, C replaced by G.
Protein change: p.Asp849Glu; replaces aspartic acid 849 with glutamic acid.
Molecular consequence: missense variant.
Genome position (GRCh38, 1-based): chrX:53,604,784, G>C on the plus strand (C>G on the coding strand, the complement: HUWE1 is on the minus strand). VCF-style: chrX-53604784-G-C. GRCh37 (hg19) VCF-style: chrX-53631745-G-C.
Other names: short protein forms D849E.
Identifiers: ClinVar variation 3391506 (VCV003391506.2).

ClinVar aggregate classification (germline): Uncertain significance (1 of 4 stars; one submission).

Submission:

GeneDx
Classification: Uncertain significance. Last evaluated: 2026-08-10. Review status: criteria provided, single submitter. Criteria: GeneDx Variant Classification Process June 2021. Collection method: clinical testing. Allele origin: germline.
Comment: Not observed at significant frequency in large population cohorts (gnomAD); In silico analysis suggests that this missense variant does not alter protein structure/function; This variant is associated with the following publications: (PMID: 34356170)